The following is an entry in ClinVar:

ClinVar aggregate classification (germline): Pathogenic (1 of 4 stars; one submission).

Conditions:
Hereditary cancer-predisposing syndrome. Also called: Hereditary Cancer Syndrome; Hereditary neoplastic syndrome; Neoplastic Syndromes, Hereditary; Tumor predisposition. Identifiers: Orphanet 140162, MedGen C0027672, MeSH D009386, MONDO:0015356.

Submission:

Labcorp Genetics (formerly Invitae), Labcorp
Classification: Pathogenic for Hereditary cancer-predisposing syndrome. Last evaluated: 2021-09-23. Review status: criteria provided, single submitter. Criteria: Invitae Variant Classification Sherloc (09022015). Collection method: clinical testing. Allele origin: germline.
Comment: This sequence change creates a premature translational stop signal (p.Lys743*) in the RAD50 gene. It is expected to result in an absent or disrupted protein product. Loss-of-function variants in RAD50 are known to be pathogenic (PMID: 19409520). The frequency data for this variant in the population databases is not available, as this variant may be reported as separate entries in the ExAC database. For these reasons, this variant has been classified as Pathogenic. This variant has not been reported in the literature in individuals affected with RAD50-related conditions.

Literature cited by the submitters: PubMed 19409520.

NM_005732.4(RAD50):c.2226_2227delinsAT (p.Lys743Ter)

Gene: RAD50 (RAD50 double strand break repair protein; plus strand). Cytogenetic location: 5q31.1.
Variant type: Indel.
Coding change: c.2226_2227delinsAT on transcript NM_005732.4 (MANE Select); coding-DNA positions 2226 to 2227, GA replaced by AT.
Protein change: p.Lys743Ter; replaces lysine 743 with a stop codon.
Molecular consequence: nonsense.
Genome position (GRCh38, 1-based): chr5:132,603,318-132,603,319, GA replaced by AT. VCF-style: chr5-132603318-GA-AT. GRCh37 (hg19) VCF-style: chr5-131939010-GA-AT.
Other names: short protein forms K743*.
Identifiers: ClinVar variation 1451512 (VCV001451512.6), dbSNP rs2149846856, ClinGen allele CA2573138939.